The following is an entry in ClinVar:

ClinVar aggregate classification (germline): Uncertain significance (1 of 4 stars; one submission).

gnomAD v4.1: 4 of 1,211,680 alleles (0.00033%); highest among the groups gnomAD compares: Non-Finnish European, 0.00045%; no homozygotes.

Submission:

Labcorp Genetics (formerly Invitae), Labcorp
Classification: Uncertain significance. Last evaluated: 2025-10-24. Review status: criteria provided, single submitter. Criteria: Invitae Variant Classification Sherloc (09022015). Collection method: clinical testing. Allele origin: germline.
Comment: This sequence change replaces threonine, which is neutral and polar, with serine, which is neutral and polar, at codon 289 of the ATP6AP1 protein (p.Thr289Ser). This variant is not present in population databases (gnomAD no frequency). This variant has not been reported in the literature in individuals affected with ATP6AP1-related conditions. Invitae Evidence Modeling of protein sequence and biophysical properties (such as structural, functional, and spatial information, amino acid conservation, physicochemical variation, residue mobility, and thermodynamic stability) indicates that this missense variant is expected to disrupt ATP6AP1 protein function with a positive predictive value of 80%. In summary, the available evidence is currently insufficient to determine the role of this variant in disease. Therefore, it has been classified as a Variant of Uncertain Significance.

NM_001183.6(ATP6AP1):c.865A>T (p.Thr289Ser)

Gene: ATP6AP1 (ATPase H+ transporting accessory protein 1; plus strand). Cytogenetic location: Xq28.
Variant type: single nucleotide variant.
Coding change: c.865A>T on transcript NM_001183.6 (MANE Select); coding-DNA position 865, A replaced by T.
Protein change: p.Thr289Ser; replaces threonine 289 with serine.
Molecular consequence: missense variant.
Genome position (GRCh38, 1-based): chrX:154,434,388, A>T. VCF-style: chrX-154434388-A-T. GRCh37 (hg19) VCF-style: chrX-153662734-A-T.
Other names: short protein forms T289S.
Identifiers: ClinVar variation 4743228 (VCV004743228.1).